The following is an entry in ClinVar:

NM_003227.4(TFR2):c.37C>T (p.Gln13Ter)

Gene: TFR2 (transferrin receptor 2; minus strand). Cytogenetic location: 7q22.1.
Variant type: single nucleotide variant.
Coding change: c.37C>T on transcript NM_003227.4 (MANE Select); coding-DNA position 37, C replaced by T.
Protein change: p.Gln13Ter; replaces glutamine 13 with a stop codon.
Molecular consequence: nonsense.
Genome position (GRCh38, 1-based): chr7:100,641,225, G>A on the plus strand (C>T on the coding strand, the complement: TFR2 is on the minus strand). VCF-style: chr7-100641225-G-A. GRCh37 (hg19) VCF-style: chr7-100238848-G-A.
Other names: c.37C>T (NM_003227.3); short protein forms Q13*.
Identifiers: ClinVar variation 3240589 (VCV003240589.2), dbSNP rs556553563.
Genomic context (GRCh38, chr7:100,641,225, plus strand): 5'-GCCCTTTCCGGGGGCCTTCCACACGCTGGTAGACGGTCTGAGAGGATCTTGGGGACAGTT[G>A]TTGCTGTGCAGGCGAGGTGGGCATGAGATTGGGGCAAGAGGCCTGGGGGGTGGGGAGGCA-3'

ClinVar aggregate classification (germline): Likely pathogenic. Review status: criteria provided, multiple submitters, no conflicts (2 of 4 stars). 2 submissions from 2 submitters: Likely pathogenic (2). Last evaluated 2024-08-14.

Conditions:
Hemochromatosis type 3 (HFE3). Also called: TFR2-Related Hemochromatosis; HEMOCHROMATOSIS DUE TO DEFECT IN TRANSFERRIN RECEPTOR 2; Hereditary hemochromatosis type 3. Identifiers: Orphanet 225123, MedGen C1858664, MONDO:0011417, OMIM 604250.

Allele frequency attached by ClinVar (database versions not stated): gnomAD 0.00001; TOPMed 0.00001; ExAC 0.00008; 1000 Genomes Project 30x 0.00016; 1000 Genomes Project 0.00020.

Submissions (2):

Natera, Inc.
Classification: Likely pathogenic for Hereditary hemochromatosis type 3. Last evaluated: 2024-08-14. Review status: criteria provided, single submitter. Criteria: Natera Variant Classification Schema (03/2026). Collection method: clinical testing. Allele origin: germline.
Comment: The c.37C>T variant in TFR2 is a nonsense variant predicted to introduce a stop codon at amino acid 13. This variant is expected to result in nonsense mediated decay, truncation, or a dysfunctional protein product. This variant is rare in the general population with a frequency below the threshold expected for the associated phenotype(s). Given the available evidence, this variant is classified as Likely Pathogenic.

Baylor Genetics
Classification: Likely pathogenic for Hemochromatosis type 3. Last evaluated: 2024-03-04. Review status: criteria provided, single submitter. Criteria: ACMG Guidelines, 2015. Collection method: clinical testing. Allele origin: unknown.